The following is an entry in ClinVar:

NM_001257096.2(PAX1):c.1129G>A (p.Gly377Ser)

Gene: PAX1 (paired box 1; plus strand). Cytogenetic location: 20p11.22.
Variant type: single nucleotide variant.
Coding change: c.1129G>A on transcript NM_001257096.2 (MANE Select); coding-DNA position 1129, G replaced by A.
Protein change: p.Gly377Ser; replaces glycine 377 with serine.
Molecular consequence: missense variant.
Genome position (GRCh38, 1-based): chr20:21,709,291, G>A. VCF-style: chr20-21709291-G-A. GRCh37 (hg19) VCF-style: chr20-21689929-G-A.
Other names: c.1129G>A (NM_006192.3); c.1129G>A, p.Gly377Ser (NM_006192.5); short protein forms G377S.
Identifiers: ClinVar variation 1403300 (VCV001403300.7), dbSNP rs143731938, ClinGen allele CA9786691.

ClinVar aggregate classification (germline): Uncertain significance. Review status: criteria provided, multiple submitters, no conflicts (2 of 4 stars). 3 submissions from 3 submitters: Uncertain significance (3). Last evaluated 2025-06-17.

Conditions:
Otofaciocervical syndrome 2 (OTFCS2). Also called: OTOFACIOCERVICAL SYNDROME 2, WITH T-CELL DEFICIENCY. Identifiers: MedGen C5442121, MONDO:0014254, OMIM 615560.
Inborn genetic diseases. Identifiers: MedGen C0950123, MeSH D030342.

gnomAD v4.1: 68 of 1,604,260 alleles (0.0042%); highest among the groups gnomAD compares: Non-Finnish European, 0.0053%; no homozygotes.

Submissions (3):

Ambry Genetics
Classification: Uncertain significance for Inborn genetic diseases. Last evaluated: 2025-06-17. Review status: criteria provided, single submitter. Criteria: Ambry Variant Classification Scheme 2023. Collection method: clinical testing. Allele origin: germline.

ARUP Laboratories, Molecular Genetics and Genomics, ARUP Laboratories
Classification: Uncertain significance for Otofaciocervical syndrome 2. Last evaluated: 2024-01-24. Review status: criteria provided, single submitter. Criteria: ARUP Molecular Germline Variant Investigation Process 2024. Collection method: clinical testing. Allele origin: germline.

Labcorp Genetics (formerly Invitae), Labcorp
Classification: Uncertain significance. Last evaluated: 2023-01-15. Review status: criteria provided, single submitter. Criteria: Invitae Variant Classification Sherloc (09022015). Collection method: clinical testing. Allele origin: germline.
Comment: In summary, the available evidence is currently insufficient to determine the role of this variant in disease. Therefore, it has been classified as a Variant of Uncertain Significance. Algorithms developed to predict the effect of missense changes on protein structure and function output the following: SIFT: "Tolerated"; PolyPhen-2: "Benign"; Align-GVGD: "Class C0". The serine amino acid residue is found in multiple mammalian species, which suggests that this missense change does not adversely affect protein function. ClinVar contains an entry for this variant (Variation ID: 1403300). This variant has not been reported in the literature in individuals affected with PAX1-related conditions. This variant is present in population databases (rs143731938, gnomAD 0.01%). This sequence change replaces glycine, which is neutral and non-polar, with serine, which is neutral and polar, at codon 377 of the PAX1 protein (p.Gly377Ser).